The following is an entry in ClinVar:

ClinVar aggregate classification (germline): Likely benign. Review status: criteria provided, multiple submitters, no conflicts (2 of 4 stars). 4 submissions from 4 submitters: Likely benign (4). Last evaluated 2025-08-20.

Conditions:
Hereditary breast ovarian cancer syndrome. Also called: Hereditary breast and ovarian cancer; Hereditary breast and ovarian cancer syndrome (HBOC); Breast and ovarian cancer; Hereditary breast and ovarian cancer syndrome; BRCA1- and BRCA2-Associated Hereditary Breast and Ovarian Cancer; Hereditary breast and/or ovarian cancer syndrome. Identifiers: Orphanet 145, MedGen C0677776, MeSH D061325, MONDO:0003582. Disease mechanism: loss of function.
Hereditary cancer-predisposing syndrome. Also called: Tumor predisposition; Hereditary neoplastic syndrome; Hereditary Cancer Syndrome; Neoplastic Syndromes, Hereditary. Identifiers: Orphanet 140162, MedGen C0027672, MeSH D009386, MONDO:0015356.
BRCA2-related cancer predisposition. Identifiers: MedGen CN377758, MONDO:0700269.

Submissions (4):

Ambry Genetics
Classification: Likely benign for Hereditary cancer-predisposing syndrome. Last evaluated: 2025-08-20. Review status: criteria provided, single submitter. Criteria: Ambry Variant Classification Scheme 2023. Collection method: clinical testing. Allele origin: germline.

All of Us Research Program, National Institutes of Health
Classification: Likely benign for BRCA2-related cancer predisposition. Last evaluated: 2024-05-09. Review status: criteria provided, single submitter. Criteria: ACMG Guidelines, 2015. Collection method: clinical testing. Allele origin: germline. Inheritance: Autosomal dominant inheritance. Observed: 1 variant allele, 1 heterozygote.
Comment: This study involves interpretation of variants in research participants for the purpose of population health screening. Participant phenotype was not available at the time of variant classification. Additional details can be found in publication PMID: 35346344, PMCID: PMC8962531

Labcorp Genetics (formerly Invitae), Labcorp
Classification: Likely benign for Hereditary breast ovarian cancer syndrome. Last evaluated: 2023-06-18. Review status: criteria provided, single submitter. Criteria: Invitae Variant Classification Sherloc (09022015). Collection method: clinical testing. Allele origin: germline.

Color Diagnostics, LLC DBA Color Health
Classification: Likely benign for Hereditary cancer-predisposing syndrome. Last evaluated: 2019-03-12. Review status: criteria provided, single submitter. Criteria: ACMG Guidelines, 2015. Collection method: clinical testing. Allele origin: germline.

NM_000059.4(BRCA2):c.9804A>G (p.Arg3268=)

Gene: BRCA2 (BRCA2 DNA repair associated; plus strand). Cytogenetic location: 13q13.1.
Variant type: single nucleotide variant.
Coding change: c.9804A>G on transcript NM_000059.4 (MANE Select); coding-DNA position 9804, A replaced by G.
Protein change: p.Arg3268=; no amino-acid change (arginine 3268 retained).
Molecular consequence: synonymous variant.
Genome position (GRCh38, 1-based): chr13:32,398,317, A>G. VCF-style: chr13-32398317-A-G. GRCh37 (hg19) VCF-style: chr13-32972454-A-G.
Identifiers: ClinVar variation 918245 (VCV000918245.12), dbSNP rs2073051245, ClinGen allele CA483440099.